The following is an entry in ClinVar:

NM_006767.4(LZTR1):c.706T>A (p.Cys236Ser)

Gene: LZTR1 (leucine zipper like post translational regulator 1; plus strand). Cytogenetic location: 22q11.21.
Variant type: single nucleotide variant.
Coding change: c.706T>A on transcript NM_006767.4 (MANE Select); coding-DNA position 706, T replaced by A.
Protein change: p.Cys236Ser; replaces cysteine 236 with serine.
Molecular consequence: missense variant.
Genome position (GRCh38, 1-based): chr22:20,990,440, T>A. VCF-style: chr22-20990440-T-A. GRCh37 (hg19) VCF-style: chr22-21344729-T-A.
Other names: short protein forms C236S.
Identifiers: ClinVar variation 453172 (VCV000453172.8), dbSNP rs1453525517, ClinGen allele CA410780522.

ClinVar aggregate classification (germline): Uncertain significance. Review status: criteria provided, multiple submitters, no conflicts (2 of 4 stars). 3 submissions from 3 submitters: Uncertain significance (3). Last evaluated 2024-07-07.

Conditions:
Hereditary cancer-predisposing syndrome. Also called: Hereditary Cancer Syndrome; Hereditary neoplastic syndrome; Neoplastic Syndromes, Hereditary; Tumor predisposition. Identifiers: Orphanet 140162, MedGen C0027672, MeSH D009386, MONDO:0015356.
Cardiovascular phenotype. Identifiers: MedGen CN230736.

Allele frequency attached by ClinVar (database versions not stated): gnomAD exomes below 0.00001.
gnomAD v4.1: 4 of 1,614,112 alleles (0.00025%); highest among the groups gnomAD compares: Non-Finnish European, 0.00034%; no homozygotes.

Submissions (3):

Ambry Genetics
Classification: Uncertain significance for Cardiovascular phenotype; Hereditary cancer-predisposing syndrome. Last evaluated: 2024-07-07. Review status: criteria provided, single submitter. Criteria: Ambry Variant Classification Scheme 2023. Collection method: clinical testing. Allele origin: germline.
Comment: The p.C236S variant (also known as c.706T>A), located in coding exon 8 of the LZTR1 gene, results from a T to A substitution at nucleotide position 706. The cysteine at codon 236 is replaced by serine, an amino acid with dissimilar properties. This amino acid position is conserved. In addition, this alteration is predicted to be deleterious by in silico analysis. Based on the available evidence, the clinical significance of this variant remains unclear.

Labcorp Genetics (formerly Invitae), Labcorp
Classification: Uncertain significance. Last evaluated: 2024-01-03. Review status: criteria provided, single submitter. Criteria: Invitae Variant Classification Sherloc (09022015). Collection method: clinical testing. Allele origin: germline.
Comment: This sequence change replaces cysteine, which is neutral and slightly polar, with serine, which is neutral and polar, at codon 236 of the LZTR1 protein (p.Cys236Ser). This variant is present in population databases (no rsID available, gnomAD 0.0009%). This variant has not been reported in the literature in individuals affected with LZTR1-related conditions. ClinVar contains an entry for this variant (Variation ID: 453172). Advanced modeling of protein sequence and biophysical properties (such as structural, functional, and spatial information, amino acid conservation, physicochemical variation, residue mobility, and thermodynamic stability) performed at Invitae indicates that this missense variant is not expected to disrupt LZTR1 protein function with a negative predictive value of 80%. In summary, the available evidence is currently insufficient to determine the role of this variant in disease. Therefore, it has been classified as a Variant of Uncertain Significance.

GeneDx
Classification: Uncertain significance. Last evaluated: 2021-06-26. Review status: criteria provided, single submitter. Criteria: GeneDx Variant Classification Process June 2021. Collection method: clinical testing. Allele origin: germline. Affected: yes.
Comment: Not observed at significant frequency in large population cohorts (Lek et al., 2016); In silico analysis supports that this missense variant has a deleterious effect on protein structure/function; Has not been previously published as pathogenic or benign to our knowledge; This variant is associated with the following publications: (PMID: 27535533)